The following is an entry in ClinVar:

ClinVar aggregate classification (germline): Uncertain significance. Review status: criteria provided, multiple submitters, no conflicts (2 of 4 stars). 4 submissions from 4 submitters: Uncertain significance (4). Last evaluated 2022-05-11.

Conditions:
PLA2G6-associated neurodegeneration (PLAN). Also called: phospholipase A2-associated neurodegeneration. Identifiers: Orphanet 329303, MedGen CN204472, MONDO:0017998.
Infantile neuroaxonal dystrophy (NBIA2A). Also called: Infantile neuroaxonal dystrophy 1; SEITELBERGER DISEASE; NEURODEGENERATION WITH BRAIN IRON ACCUMULATION 2A. Identifiers: Orphanet 35069, MedGen C0270724, MONDO:0024457, OMIM 256600.

Allele frequency attached by ClinVar (database versions not stated): gnomAD 0.00004 and 0.00003; TOPMed 0.00005; gnomAD exomes 0.00004; ExAC 0.00014.

Submissions (4):

GeneDx
Classification: Uncertain significance. Last evaluated: 2022-05-11. Review status: criteria provided, single submitter. Criteria: GeneDx Variant Classification Process June 2021. Collection method: clinical testing. Allele origin: germline. Affected: yes.
Comment: Reported as a single heterozygous variant on exome sequencing in two siblings with antiphospholipid syndrome, but these individuals were also reported to have variants in other genes and full familial segregation information was not provided (Barinotti et al., 2020); Not observed at significant frequency in large population cohorts (gnomAD); In silico analysis supports that this missense variant has a deleterious effect on protein structure/function; This variant is associated with the following publications: (PMID: 33333988, BARINOTTI2022[abstract])

Labcorp Genetics (formerly Invitae), Labcorp
Classification: Uncertain significance for Infantile neuroaxonal dystrophy. Last evaluated: 2022-04-13. Review status: criteria provided, single submitter. Criteria: Invitae Variant Classification Sherloc (09022015). Collection method: clinical testing. Allele origin: germline.
Comment: This sequence change replaces cysteine, which is neutral and slightly polar, with serine, which is neutral and polar, at codon 332 of the PLA2G6 protein (p.Cys332Ser). This variant is present in population databases (rs780423461, gnomAD 0.009%). This variant has not been reported in the literature in individuals affected with PLA2G6-related conditions. ClinVar contains an entry for this variant (Variation ID: 341642). Advanced modeling of protein sequence and biophysical properties (such as structural, functional, and spatial information, amino acid conservation, physicochemical variation, residue mobility, and thermodynamic stability) performed at Invitae indicates that this missense variant is expected to disrupt PLA2G6 protein function. In summary, the available evidence is currently insufficient to determine the role of this variant in disease. Therefore, it has been classified as a Variant of Uncertain Significance.

Mayo Clinic Laboratories, Mayo Clinic
Classification: Uncertain significance. Last evaluated: 2021-09-30. Review status: criteria provided, single submitter. Criteria: ACMG Guidelines, 2015. Collection method: clinical testing. Allele origin: germline.

Illumina Laboratory Services, Illumina
Classification: Uncertain significance for PLA2G6-associated neurodegeneration. Last evaluated: 2018-01-12. Review status: criteria provided, single submitter. Criteria: ICSL Variant Classification Criteria 13 December 2019. Collection method: clinical testing. Allele origin: germline.

NM_003560.4(PLA2G6):c.995G>C (p.Cys332Ser)

Gene: PLA2G6 (phospholipase A2 group VI; minus strand). Cytogenetic location: 22q13.1.
Variant type: single nucleotide variant.
Coding change: c.995G>C on transcript NM_003560.4 (MANE Select); coding-DNA position 995, G replaced by C.
Protein change: p.Cys332Ser; replaces cysteine 332 with serine.
Molecular consequence: missense variant.
Genome position (GRCh38, 1-based): chr22:38,132,913, C>G on the plus strand (G>C on the coding strand, the complement: PLA2G6 is on the minus strand). VCF-style: chr22-38132913-C-G. GRCh37 (hg19) VCF-style: chr22-38528920-C-G.
Other names: p.Cys332Ser; c.995G>C, p.Cys332Ser (NM_001004426.3, NM_001199562.3, NM_001349864.2 and 2 more transcripts); c.461G>C, p.Cys154Ser (NM_001349867.2, NM_001349869.2); c.317G>C, p.Cys106Ser (NM_001349868.2); short protein forms C332S, C106S, C154S.
Identifiers: ClinVar variation 341642 (VCV000341642.13), dbSNP rs780423461, ClinGen allele CA10231075.